The following is an entry in ClinVar:

NM_001128840.3(CACNA1D):c.2935G>A (p.Val979Ile)

Gene: CACNA1D (calcium voltage-gated channel subunit alpha1 D; plus strand). Cytogenetic location: 3p21.1.
Variant type: single nucleotide variant.
Coding change: c.2935G>A on transcript NM_001128840.3 (MANE Select); coding-DNA position 2935, G replaced by A.
Protein change: p.Val979Ile; replaces valine 979 with isoleucine.
Molecular consequence: missense variant.
Genome position (GRCh38, 1-based): chr3:53,744,756, G>A. VCF-style: chr3-53744756-G-A. GRCh37 (hg19) VCF-style: chr3-53778783-G-A.
Other names: c.2995G>A, p.Val999Ile (NM_000720.4); c.2935G>A, p.Val979Ile (NM_001128839.3); short protein forms V979I, V999I.
Identifiers: ClinVar variation 3369818 (VCV003369818.3).

ClinVar aggregate classification (germline): Uncertain significance. Review status: criteria provided, multiple submitters, no conflicts (2 of 4 stars). 2 submissions from 2 submitters: Uncertain significance (2). Last evaluated 2024-12-22.

gnomAD v4.1: 9 of 1,603,304 alleles (0.00056%); highest among the groups gnomAD compares: Admixed American, 0.0033%; no homozygotes.

Submissions (2):

Labcorp Genetics (formerly Invitae), Labcorp
Classification: Uncertain significance. Last evaluated: 2024-12-22. Review status: criteria provided, single submitter. Criteria: Invitae Variant Classification Sherloc (09022015). Collection method: clinical testing. Allele origin: germline.
Comment: This sequence change replaces valine, which is neutral and non-polar, with isoleucine, which is neutral and non-polar, at codon 999 of the CACNA1D protein (p.Val999Ile). This variant is present in population databases (no rsID available, gnomAD 0.006%). This variant has not been reported in the literature in individuals affected with CACNA1D-related conditions. Invitae Evidence Modeling of protein sequence and biophysical properties (such as structural, functional, and spatial information, amino acid conservation, physicochemical variation, residue mobility, and thermodynamic stability) has been performed for this missense variant. However, the output from this modeling did not meet the statistical confidence thresholds required to predict the impact of this variant on CACNA1D protein function. In summary, the available evidence is currently insufficient to determine the role of this variant in disease. Therefore, it has been classified as a Variant of Uncertain Significance.

GeneDx
Classification: Uncertain significance. Last evaluated: 2024-02-28. Review status: criteria provided, single submitter. Criteria: GeneDx Variant Classification Process June 2021. Collection method: clinical testing. Allele origin: germline. Affected: yes.
Comment: Not observed at significant frequency in large population cohorts (gnomAD); In silico analysis supports that this missense variant does not alter protein structure/function; Has not been previously published as pathogenic or benign to our knowledge